The following is an entry in ClinVar:

NM_139057.4(ADAMTS17):c.*1774C>T

Gene: ADAMTS17 (ADAM metallopeptidase with thrombospondin type 1 motif 17; minus strand). Cytogenetic location: 15q26.3.
Variant type: single nucleotide variant.
Coding change: c.*1774C>T on transcript NM_139057.4 (MANE Select); 1774 bases downstream of the stop codon, C replaced by T.
Molecular consequence: 3 prime UTR variant.
Genome position (GRCh38, 1-based): chr15:99,972,628, G>A on the plus strand (C>T on the coding strand, the complement: ADAMTS17 is on the minus strand). VCF-style: chr15-99972628-G-A. GRCh37 (hg19) VCF-style: chr15-100512833-G-A.
Identifiers: ClinVar variation 315172 (VCV000315172.5), dbSNP rs74037056, ClinGen allele CA10636896.
Genomic context (GRCh38, chr15:99,972,628, plus strand): 5'-GAAAATGGGAATTCATGGGAGTCTGCTGGTGGCCAGGCCTGAAGGGGAGGACAGCAGTCT[G>A]CGCAGGCCGCGGGGCGAGGGTGGGCCGCTCCATCCTGACACCCTCGGTTCTTTCCACAGA-3'

ClinVar aggregate classification (germline): Benign (1 of 4 stars; one submission).

Conditions:
Weill-Marchesani 4 syndrome, recessive. Also called: Weill-Marchesani syndrome 4. Identifiers: Orphanet 363992, MedGen C2750787, MONDO:0013176, OMIM 613195.

Allele frequency attached by ClinVar (database versions not stated): gnomAD 0.01463 and 0.01566; TOPMed 0.01642; 1000 Genomes Project 0.01777.

Submission:

Illumina Laboratory Services, Illumina
Classification: Benign for Weill-Marchesani 4 syndrome, recessive. Last evaluated: 2018-01-12. Review status: criteria provided, single submitter. Criteria: ICSL Variant Classification Criteria 13 December 2019. Collection method: clinical testing. Allele origin: germline.
Comment: This variant was observed in the ICSL laboratory as part of a predisposition screen in an ostensibly healthy population. It had not been previously curated by ICSL or reported in the Human Gene Mutation Database (HGMD: prior to June 1st, 2018), and was therefore a candidate for classification through an automated scoring system. Utilizing variant allele frequency, disease prevalence and penetrance estimates, and inheritance mode, an automated score was calculated to assess if this variant is too frequent to cause the disease. Based on the score and internal cut-off values, a variant classified as benign is not then subjected to further curation. The score for this variant resulted in a classification of benign for this disease.